The following is an entry in ClinVar:

NM_148919.4(PSMB8):c.814C>T (p.Arg272Trp)

Gene: PSMB8 (proteasome 20S subunit beta 8; minus strand). Cytogenetic location: 6p21.32.
Variant type: single nucleotide variant.
Coding change: c.814C>T on transcript NM_148919.4 (MANE Select); coding-DNA position 814, C replaced by T.
Protein change: p.Arg272Trp; replaces arginine 272 with tryptophan.
Molecular consequence: missense variant.
Genome position (GRCh38, 1-based): chr6:32,840,976, G>A on the plus strand (C>T on the coding strand, the complement: PSMB8 is on the minus strand). VCF-style: chr6-32840976-G-A. GRCh37 (hg19) VCF-style: chr6-32808753-G-A.
Other names: p.Arg272Trp; c.802C>T, p.Arg268Trp (NM_004159.5, LRG_1328t2); c.814C>T, p.Arg272Trp (LRG_1328t1); short protein forms R268W, R272W.
Identifiers: ClinVar variation 572482 (VCV000572482.8), dbSNP rs371006338, ClinGen allele CA3746271.

ClinVar aggregate classification (germline): Uncertain significance. Review status: criteria provided, multiple submitters, no conflicts (2 of 4 stars). 2 submissions from 2 submitters: Uncertain significance (2). Last evaluated 2025-02-19.

Conditions:
Proteosome-associated autoinflammatory syndrome. Also called: Proteasome-associated autoinflammatory syndrome. Identifiers: Orphanet 324977, MedGen C1850568, MONDO:0009726.

Allele frequency attached by ClinVar (database versions not stated): gnomAD 0.00005 and 0.00004; ExAC 0.00010; TOPMed 0.00003; gnomAD exomes 0.00004 and 0.00006.

Submissions (2):

Mayo Clinic Laboratories, Mayo Clinic
Classification: Uncertain significance. Last evaluated: 2025-02-19. Review status: criteria provided, single submitter. Criteria: ACMG Guidelines, 2015. Collection method: clinical testing. Allele origin: germline. Observed: 1 variant allele.
Comment: BP4

Labcorp Genetics (formerly Invitae), Labcorp
Classification: Uncertain significance for Proteosome-associated autoinflammatory syndrome. Last evaluated: 2024-01-18. Review status: criteria provided, single submitter. Criteria: Invitae Variant Classification Sherloc (09022015). Collection method: clinical testing. Allele origin: germline.
Comment: This sequence change replaces arginine, which is basic and polar, with tryptophan, which is neutral and slightly polar, at codon 272 of the PSMB8 protein (p.Arg272Trp). This variant is present in population databases (rs371006338, gnomAD 0.03%). This variant has not been reported in the literature in individuals affected with PSMB8-related conditions. ClinVar contains an entry for this variant (Variation ID: 572482). Algorithms developed to predict the effect of missense changes on protein structure and function output the following: SIFT: "Not Available"; PolyPhen-2: "Benign"; Align-GVGD: "Not Available". The tryptophan amino acid residue is found in multiple mammalian species, which suggests that this missense change does not adversely affect protein function. In summary, the available evidence is currently insufficient to determine the role of this variant in disease. Therefore, it has been classified as a Variant of Uncertain Significance.